The following is an entry in ClinVar:

ClinVar aggregate classification (germline): Uncertain significance (1 of 4 stars; one submission).

gnomAD v4.1: 3 of 1,614,234 alleles (0.00019%); highest among the groups gnomAD compares: African/African-American, 0.0013%; no homozygotes.

Submission:

GeneDx
Classification: Uncertain significance. Last evaluated: 2023-04-24. Review status: criteria provided, single submitter. Criteria: GeneDx Variant Classification Process June 2021. Collection method: clinical testing. Allele origin: germline. Affected: yes.
Comment: Not observed at significant frequency in large population cohorts (gnomAD); In silico analysis supports that this missense variant does not alter protein structure/function; Has not been previously published as pathogenic or benign to our knowledge

NM_001371623.1(TCOF1):c.2510G>A (p.Ser837Asn)

Gene: TCOF1 (treacle ribosome biogenesis factor 1; plus strand). Cytogenetic location: 5q32.
Variant type: single nucleotide variant.
Coding change: c.2510G>A on transcript NM_001371623.1 (MANE Select); coding-DNA position 2510, G replaced by A.
Protein change: p.Ser837Asn; replaces serine 837 with asparagine.
Molecular consequence: missense variant.
Genome position (GRCh38, 1-based): chr5:150,379,260, G>A. VCF-style: chr5-150379260-G-A. GRCh37 (hg19) VCF-style: chr5-149758823-G-A.
Other names: c.2279G>A, p.Ser760Asn (NM_000356.4, NM_001135245.2); c.2510G>A, p.Ser837Asn (NM_001008657.3, NM_001135243.2, NM_001135244.2 and 1 more transcripts); short protein forms S760N, S837N.
Identifiers: ClinVar variation 3343124 (VCV003343124.1).